The following is an entry in ClinVar:

NM_001367624.2(ZNF469):c.1190C>A (p.Pro397His)

Gene: ZNF469 (zinc finger protein 469; plus strand). Cytogenetic location: 16q24.2.
Variant type: single nucleotide variant.
Coding change: c.1190C>A on transcript NM_001367624.2 (MANE Select); coding-DNA position 1190, C replaced by A.
Protein change: p.Pro397His; replaces proline 397 with histidine.
Molecular consequence: missense variant.
Genome position (GRCh38, 1-based): chr16:88,428,660, C>A. VCF-style: chr16-88428660-C-A. GRCh37 (hg19) VCF-style: chr16-88495068-C-A.
Other names: NM_001127464.1:c.1190C>A; short protein forms P397H.
Identifiers: ClinVar variation 2062922 (VCV002062922.3), dbSNP rs1403428109, ClinGen allele CA397063654.

ClinVar aggregate classification (germline): Uncertain significance. Review status: criteria provided, multiple submitters, no conflicts (2 of 4 stars). 2 submissions from 2 submitters: Uncertain significance (2). Last evaluated 2022-12-04.

Conditions:
Cardiovascular phenotype. Identifiers: MedGen CN230736.

Allele frequency attached by ClinVar (database versions not stated): gnomAD exomes below 0.00001.
gnomAD v4.1: 8 of 1,549,926 alleles (0.00052%); highest among the groups gnomAD compares: African/African-American, 0.0096%; no homozygotes.

Submissions (2):

Ambry Genetics
Classification: Uncertain significance for Cardiovascular phenotype. Last evaluated: 2022-12-04. Review status: criteria provided, single submitter. Criteria: Ambry Variant Classification Scheme 2023. Collection method: clinical testing. Allele origin: germline.
Comment: The p.P397H variant (also known as c.1190C>A), located in coding exon 1 of the ZNF469 gene, results from a C to A substitution at nucleotide position 1190. The proline at codon 397 is replaced by histidine, an amino acid with similar properties. This amino acid position is conserved. In addition, this alteration is predicted to be tolerated by in silico analysis. Since supporting evidence is limited at this time, the clinical significance of this alteration remains unclear.

Labcorp Genetics (formerly Invitae), Labcorp
Classification: Uncertain significance. Last evaluated: 2022-09-24. Review status: criteria provided, single submitter. Criteria: Invitae Variant Classification Sherloc (09022015). Collection method: clinical testing. Allele origin: germline.
Comment: This sequence change replaces proline, which is neutral and non-polar, with histidine, which is basic and polar, at codon 397 of the ZNF469 protein (p.Pro397His). This variant is present in population databases (no rsID available, gnomAD 0.01%). This variant has not been reported in the literature in individuals affected with ZNF469-related conditions. Algorithms developed to predict the effect of missense changes on protein structure and function are either unavailable or do not agree on the potential impact of this missense change (SIFT: "Tolerated"; PolyPhen-2: "Probably Damaging"; Align-GVGD: "Class C0"). In summary, the available evidence is currently insufficient to determine the role of this variant in disease. Therefore, it has been classified as a Variant of Uncertain Significance.